The following is an entry in ClinVar:

ClinVar aggregate classification (germline): Benign/Likely benign. Review status: criteria provided, multiple submitters, no conflicts (2 of 4 stars). 3 submissions from 3 submitters: Benign (2); Likely benign (1). Last evaluated 2023-03-01.

Allele frequency attached by ClinVar (database versions not stated): 1000 Genomes Project 30x 0.00125; 1000 Genomes Project 0.00140; gnomAD 0.00383 and 0.00389; gnomAD exomes 0.00406 and 0.00459; ESP Exome Variant Server 0.00422; ExAC 0.00425; TOPMed 0.00445.
gnomAD v4.1: 6,597 of 1,602,950 alleles (0.41%); highest among the groups gnomAD compares: Middle Eastern, 1.6%; 38 homozygotes.

Submissions (3):

CeGaT Center for Human Genetics Tuebingen
Classification: Likely benign. Last evaluated: 2023-03-01. Review status: criteria provided, single submitter. Criteria: CeGaT Center For Human Genetics Tuebingen Variant Classification Criteria Version 2. Collection method: clinical testing. Allele origin: germline. Affected: yes. Observed: 1 variant allele.
Comment: ACSL3: BP4, BP7

Labcorp Genetics (formerly Invitae), Labcorp
Classification: Benign. Last evaluated: 2018-02-12. Review status: criteria provided, single submitter. Criteria: Invitae Variant Classification Sherloc (09022015). Collection method: clinical testing. Allele origin: germline.

Breakthrough Genomics
Classification: Benign. Review status: criteria provided, single submitter. Criteria: ACMG Guidelines, 2015. Collection method: not provided. Allele origin: germline. Inheritance: Unknown mechanism. Affected: yes.

NM_004457.5(ACSL3):c.33C>T (p.Thr11=)

Gene: ACSL3 (acyl-CoA synthetase long chain family member 3; plus strand). Cytogenetic location: 2q36.1.
Variant type: single nucleotide variant.
Coding change: c.33C>T on transcript NM_004457.5 (MANE Select); coding-DNA position 33, C replaced by T.
Protein change: p.Thr11=; no amino-acid change (threonine 11 retained).
Molecular consequence: synonymous variant.
Genome position (GRCh38, 1-based): chr2:222,908,805, C>T. VCF-style: chr2-222908805-C-T. GRCh37 (hg19) VCF-style: chr2-223773523-C-T.
Other names: c.33C>T, p.Thr11= (NM_001354158.2, NM_001354159.2, NM_203372.3).
Identifiers: ClinVar variation 712051 (VCV000712051.28), dbSNP rs146044900, ClinGen allele CA2137124.